The following is an entry in ClinVar:

NM_012092.4(ICOS):c.41G>A (p.Arg14His)

Gene: ICOS (inducible T cell costimulator; plus strand). Cytogenetic location: 2q33.2.
Variant type: single nucleotide variant.
Coding change: c.41G>A on transcript NM_012092.4 (MANE Select); coding-DNA position 41, G replaced by A.
Protein change: p.Arg14His; replaces arginine 14 with histidine.
Molecular consequence: missense variant.
Genome position (GRCh38, 1-based): chr2:203,936,855, G>A. VCF-style: chr2-203936855-G-A. GRCh37 (hg19) VCF-style: chr2-204801578-G-A.
Other names: short protein forms R14H.
Identifiers: ClinVar variation 1382633 (VCV001382633.6), dbSNP rs776057192, ClinGen allele CA2067193.

ClinVar aggregate classification (germline): Uncertain significance (1 of 4 stars; one submission).

Conditions:
Immunodeficiency, common variable, 1. Also called: ANTIBODY DEFICIENCY DUE TO ICOS DEFECT. Identifiers: Orphanet 1572, Orphanet 695183, MedGen C3149378, MONDO:0011864, OMIM 607594.

Submission:

Labcorp Genetics (formerly Invitae), Labcorp
Classification: Uncertain significance for Immunodeficiency, common variable, 1. Last evaluated: 2022-10-18. Review status: criteria provided, single submitter. Criteria: Invitae Variant Classification Sherloc (09022015). Collection method: clinical testing. Allele origin: germline.
Comment: In summary, the available evidence is currently insufficient to determine the role of this variant in disease. Therefore, it has been classified as a Variant of Uncertain Significance. Algorithms developed to predict the effect of missense changes on protein structure and function output the following: SIFT: "Tolerated"; PolyPhen-2: "Benign"; Align-GVGD: "Class C0". The histidine amino acid residue is found in multiple mammalian species, which suggests that this missense change does not adversely affect protein function. ClinVar contains an entry for this variant (Variation ID: 1382633). This variant has not been reported in the literature in individuals affected with ICOS-related conditions. This variant is present in population databases (rs776057192, gnomAD 0.01%). This sequence change replaces arginine, which is basic and polar, with histidine, which is basic and polar, at codon 14 of the ICOS protein (p.Arg14His).